The following is an entry in ClinVar:

ClinVar aggregate classification (germline): Uncertain significance (1 of 4 stars; one submission).

gnomAD v4.1: 1 of 1,613,066 alleles (0.000062%); highest among the groups gnomAD compares: Non-Finnish European, 0.000085%; no homozygotes.

Submission:

Labcorp Genetics (formerly Invitae), Labcorp
Classification: Uncertain significance. Last evaluated: 2025-08-12. Review status: criteria provided, single submitter. Criteria: Invitae Variant Classification Sherloc (09022015). Collection method: clinical testing. Allele origin: germline.
Comment: This sequence change replaces glycine, which is neutral and non-polar, with aspartic acid, which is acidic and polar, at codon 53 of the RPS28 protein (p.Gly53Asp). This variant is not present in population databases (gnomAD no frequency). This variant has not been reported in the literature in individuals affected with RPS28-related conditions. An algorithm developed to predict the effect of missense changes on protein structure and function (PolyPhen-2) suggests that this variant is likely to be disruptive. In summary, the available evidence is currently insufficient to determine the role of this variant in disease. Therefore, it has been classified as a Variant of Uncertain Significance.

NM_001031.5(RPS28):c.158G>A (p.Gly53Asp)

Gene: RPS28 (ribosomal protein S28; plus strand). Cytogenetic location: 19p13.2.
Variant type: single nucleotide variant.
Coding change: c.158G>A on transcript NM_001031.5 (MANE Select); coding-DNA position 158, G replaced by A.
Protein change: p.Gly53Asp; replaces glycine 53 with aspartic acid.
Molecular consequence: missense variant.
Genome position (GRCh38, 1-based): chr19:8,322,023, G>A. VCF-style: chr19-8322023-G-A. GRCh37 (hg19) VCF-style: chr19-8386907-G-A.
Other names: short protein forms G53D.
Identifiers: ClinVar variation 4804778 (VCV004804778.1).